The following is an entry in ClinVar:

ClinVar aggregate classification (germline): Conflicting classifications of pathogenicity. Review status: criteria provided, conflicting classifications (1 of 4 stars). 6 submissions from 6 submitters: Uncertain significance (1); Likely benign (4). 1 of the submissions does not count toward it. Last evaluated 2026-01-01.

Conditions:
Hereditary sensory neuropathy-deafness-dementia syndrome. Also called: Hereditary Sensory and Autonomic Neuropathy Type 1E (HSAN1E); NEUROPATHY, HEREDITARY SENSORY, WITH HEARING LOSS AND DEMENTIA; Hereditary sensory neuropathy type IE; HSN IE. Identifiers: Orphanet 456318, MedGen C3279885, MONDO:0013584, OMIM 614116.
DNMT1-related disorder. Also called: DNMT1-related condition. Identifiers: MedGen CN381527.

Allele frequency attached by ClinVar (database versions not stated): ExAC below 0.00001; gnomAD 0.00009; TOPMed 0.00009; gnomAD exomes 0.00012 and 0.00013.
gnomAD v4.1: 110 of 884,176 alleles (0.012%); highest among the groups gnomAD compares: Non-Finnish European, 0.018%; no homozygotes.

Submissions (6):

CeGaT Center for Human Genetics Tuebingen
Classification: Likely benign. Last evaluated: 2026-01-01. Review status: criteria provided, single submitter. Criteria: CeGaT Center For Human Genetics Tuebingen Variant Classification Criteria Version 2. Collection method: clinical testing. Allele origin: germline. Affected: yes. Observed: 3 variant alleles.
Comment: DNMT1: BP4, BP7

Labcorp Genetics (formerly Invitae), Labcorp
Classification: Likely benign for Hereditary sensory neuropathy-deafness-dementia syndrome. Last evaluated: 2025-08-16. Review status: criteria provided, single submitter. Criteria: Invitae Variant Classification Sherloc (09022015). Collection method: clinical testing. Allele origin: germline.

Blueprint Genetics
Classification: Likely benign. Last evaluated: 2024-09-20. Review status: criteria provided, single submitter. Criteria: ACMG Guidelines, 2015. Collection method: clinical testing. Allele origin: germline.

GeneDx
Classification: Likely benign. Last evaluated: 2019-06-14. Review status: criteria provided, single submitter. Criteria: GeneDx Variant Classification Process June 2021. Collection method: clinical testing. Allele origin: germline. Affected: yes.

Illumina Laboratory Services, Illumina
Classification: Uncertain significance for Hereditary sensory neuropathy-deafness-dementia syndrome. Last evaluated: 2018-01-13. Review status: criteria provided, single submitter. Criteria: ICSL Variant Classification Criteria 13 December 2019. Collection method: clinical testing. Allele origin: germline.

PreventionGenetics, part of Exact Sciences
Classification: Likely benign for DNMT1-related condition. Last evaluated: 2024-03-31. Review status: no assertion criteria provided. Collection method: clinical testing. Allele origin: germline. Not counted in ClinVar's aggregate classification.
Comment: This variant is classified as likely benign based on ACMG/AMP sequence variant interpretation guidelines (Richards et al. 2015 PMID: 25741868, with internal and published modifications).

NM_001130823.3(DNMT1):c.483T>C (p.Thr161=)

Gene: DNMT1 (DNA methyltransferase 1; minus strand). Cytogenetic location: 19p13.2.
Variant type: single nucleotide variant.
Coding change: c.483T>C on transcript NM_001130823.3 (MANE Select); coding-DNA position 483, T replaced by C.
Protein change: p.Thr161=; no amino-acid change (threonine 161 retained).
Molecular consequence: synonymous variant. On other transcripts: intron variant (2).
Genome position (GRCh38, 1-based): chr19:10,180,197, A>G on the plus strand (T>C on the coding strand, the complement: DNMT1 is on the minus strand). VCF-style: chr19-10180197-A-G. GRCh37 (hg19) VCF-style: chr19-10290873-A-G.
Other names: c.483T>C (LRG_362t1, NM_001130823.2); c.120T>C, p.Thr40= (NM_001318731.2); c.445+153T>C (NM_001379.4, NM_001318730.2).
Identifiers: ClinVar variation 327923 (VCV000327923.43), dbSNP rs764496230, ClinGen allele CA9188735.